The following is an entry in ClinVar:

NM_000426.4(LAMA2):c.5558T>G (p.Ile1853Arg)

Gene: LAMA2 (laminin subunit alpha 2; plus strand). Cytogenetic location: 6q22.33.
Variant type: single nucleotide variant.
Coding change: c.5558T>G on transcript NM_000426.4 (MANE Select); coding-DNA position 5558, T replaced by G.
Protein change: p.Ile1853Arg; replaces isoleucine 1853 with arginine.
Molecular consequence: missense variant.
Genome position (GRCh38, 1-based): chr6:129,401,336, T>G. VCF-style: chr6-129401336-T-G. GRCh37 (hg19) VCF-style: chr6-129722481-T-G.
Other names: c.5558T>G, p.Ile1853Arg (NM_001079823.2); short protein forms I1853R.
Identifiers: ClinVar variation 355280 (VCV000355280.27), dbSNP rs141911213, ClinGen allele CA3993913.

ClinVar aggregate classification (germline): Conflicting classifications of pathogenicity. Review status: criteria provided, conflicting classifications (1 of 4 stars). 6 submissions from 6 submitters: Uncertain significance (2); Likely benign (3). 1 of the submissions does not count toward it. Last evaluated 2026-01-25.

Conditions:
Congenital muscular dystrophy due to partial LAMA2 deficiency. Identifiers: MedGen C1842898.
LAMA2-related muscular dystrophy (LAMA2-RD). Also called: Laminin alpha 2-related dystrophy. Identifiers: MedGen C5679788, MONDO:0100228.
LAMA2-related disorder. Also called: LAMA2-related disorders; LAMA2-related condition.

Allele frequency attached by ClinVar (database versions not stated): 1000 Genomes Project 30x 0.00016; ExAC 0.00017; gnomAD 0.00018 and 0.00020; TOPMed 0.00018; 1000 Genomes Project 0.00020; gnomAD exomes 0.00024; ESP Exome Variant Server 0.00038.
gnomAD v4.1: 260 of 1,556,158 alleles (0.017%); highest among the groups gnomAD compares: Admixed American, 0.03%; no homozygotes.

Submissions (6):

Labcorp Genetics (formerly Invitae), Labcorp
Classification: Likely benign for LAMA2-related muscular dystrophy. Last evaluated: 2026-01-25. Review status: criteria provided, single submitter. Criteria: Invitae Variant Classification Sherloc (09022015). Collection method: clinical testing. Allele origin: germline.

Revvity Omics, Revvity
Classification: Likely benign. Last evaluated: 2023-10-04. Review status: criteria provided, single submitter. Criteria: ACMG Guidelines, 2015. Collection method: clinical testing. Allele origin: germline.

GeneDx
Classification: Likely benign. Last evaluated: 2019-06-21. Review status: criteria provided, single submitter. Criteria: GeneDx Variant Classification Process June 2021. Collection method: clinical testing. Allele origin: germline. Affected: yes.

Mayo Clinic Laboratories, Mayo Clinic
Classification: Uncertain significance. Last evaluated: 2019-05-19. Review status: criteria provided, single submitter. Criteria: ACMG Guidelines, 2015. Collection method: clinical testing. Allele origin: germline. Observed: 1 variant allele.

Illumina Laboratory Services, Illumina
Classification: Uncertain significance for Congenital muscular dystrophy due to partial LAMA2 deficiency. Last evaluated: 2018-01-12. Review status: criteria provided, single submitter. Criteria: ICSL Variant Classification Criteria 13 December 2019. Collection method: clinical testing. Allele origin: germline.

PreventionGenetics, part of Exact Sciences
Classification: Likely benign for LAMA2-related condition. Last evaluated: 2024-09-27. Review status: no assertion criteria provided. Collection method: clinical testing. Allele origin: germline. Not counted in ClinVar's aggregate classification.
Comment: This variant is classified as likely benign based on ACMG/AMP sequence variant interpretation guidelines (Richards et al. 2015 PMID: 25741868, with internal and published modifications).